The following is an entry in ClinVar:

ClinVar aggregate classification (germline): Conflicting classifications of pathogenicity. Review status: criteria provided, conflicting classifications (1 of 4 stars). 2 submissions from 2 submitters: Uncertain significance (1); Benign (1). Last evaluated 2025-05-15.

Conditions:
Atypical hemolytic-uremic syndrome with thrombomodulin anomaly. Also called: HEMOLYTIC UREMIC SYNDROME, ATYPICAL, SUSCEPTIBILITY TO, 6; AHUS, SUSCEPTIBILITY TO, 6. Identifiers: MedGen C2752036, MONDO:0013044, OMIM 612926. Disease mechanism: gain of function.

Allele frequency attached by ClinVar (database versions not stated): TOPMed 0.00006; 1000 Genomes Project 30x 0.00031; 1000 Genomes Project 0.00040.
gnomAD v4.1: 22 of 1,598,452 alleles (0.0014%); highest among the groups gnomAD compares: East Asian, 0.047%; no homozygotes.

Submissions (2):

Labcorp Genetics (formerly Invitae), Labcorp
Classification: Uncertain significance. Last evaluated: 2025-05-15. Review status: criteria provided, single submitter. Criteria: Invitae Variant Classification Sherloc (09022015). Collection method: clinical testing. Allele origin: germline.
Comment: This sequence change replaces proline, which is neutral and non-polar, with threonine, which is neutral and polar, at codon 300 of the THBD protein (p.Pro300Thr). This variant is present in population databases (rs199987510, gnomAD 0.07%). This variant has not been reported in the literature in individuals affected with THBD-related conditions. ClinVar contains an entry for this variant (Variation ID: 896684). Invitae Evidence Modeling of protein sequence and biophysical properties (such as structural, functional, and spatial information, amino acid conservation, physicochemical variation, residue mobility, and thermodynamic stability) indicates that this missense variant is not expected to disrupt THBD protein function with a negative predictive value of 80%. In summary, the available evidence is currently insufficient to determine the role of this variant in disease. Therefore, it has been classified as a Variant of Uncertain Significance.

Illumina Laboratory Services, Illumina
Classification: Benign for Atypical hemolytic-uremic syndrome with thrombomodulin anomaly. Last evaluated: 2018-01-13. Review status: criteria provided, single submitter. Criteria: ICSL Variant Classification Criteria 13 December 2019. Collection method: clinical testing. Allele origin: germline.
Comment: This variant was observed in the ICSL laboratory as part of a predisposition screen in an ostensibly healthy population. It had not been previously curated by ICSL or reported in the Human Gene Mutation Database (HGMD: prior to June 1st, 2018), and was therefore a candidate for classification through an automated scoring system. Utilizing variant allele frequency, disease prevalence and penetrance estimates, and inheritance mode, an automated score was calculated to assess if this variant is too frequent to cause the disease. Based on the score and internal cut-off values, a variant classified as benign is not then subjected to further curation. The score for this variant resulted in a classification of benign for this disease.

NM_000361.3(THBD):c.898C>A (p.Pro300Thr)

Gene: THBD (thrombomodulin; minus strand). Cytogenetic location: 20p11.21.
Variant type: single nucleotide variant.
Coding change: c.898C>A on transcript NM_000361.3 (MANE Select); coding-DNA position 898, C replaced by A.
Protein change: p.Pro300Thr; replaces proline 300 with threonine.
Molecular consequence: missense variant.
Genome position (GRCh38, 1-based): chr20:23,048,607, G>T on the plus strand (C>A on the coding strand, the complement: THBD is on the minus strand). VCF-style: chr20-23048607-G-T. GRCh37 (hg19) VCF-style: chr20-23029244-G-T.
Other names: short protein forms P300T.
Identifiers: ClinVar variation 896684 (VCV000896684.11), dbSNP rs199987510, ClinGen allele CA9787665.